The following is an entry in ClinVar:

NM_003070.5(SMARCA2):c.4121A>C (p.Glu1374Ala)

Gene: SMARCA2 (SWI/SNF related BAF chromatin remodeling complex subunit ATPase 2; plus strand). Cytogenetic location: 9p24.3.
Variant type: single nucleotide variant.
Coding change: c.4121A>C on transcript NM_003070.5 (MANE Select); coding-DNA position 4121, A replaced by C.
Protein change: p.Glu1374Ala; replaces glutamic acid 1374 with alanine.
Molecular consequence: missense variant.
Genome position (GRCh38, 1-based): chr9:2,161,825, A>C. VCF-style: chr9-2161825-A-C. GRCh37 (hg19) VCF-style: chr9-2161825-A-C.
Other names: c.4121A>C, p.Glu1374Ala (NM_001289396.2, NM_139045.4); c.3947A>C, p.Glu1316Ala (NM_001289397.2); c.149A>C, p.Glu50Ala (NM_001289398.2); c.233A>C, p.Glu78Ala (NM_001289399.2); c.239A>C, p.Glu80Ala (NM_001289400.2); short protein forms E1316A, E1374A, E50A, E78A, E80A.
Identifiers: ClinVar variation 3774301 (VCV003774301.2).

ClinVar aggregate classification (germline): Uncertain significance. Review status: criteria provided, multiple submitters, no conflicts (2 of 4 stars). 2 submissions from 2 submitters: Uncertain significance (2). Last evaluated 2024-09-24.

Submissions (2):

GeneDx
Classification: Uncertain significance. Last evaluated: 2024-09-24. Review status: criteria provided, single submitter. Criteria: GeneDx Variant Classification Process June 2021. Collection method: clinical testing. Allele origin: germline. Affected: yes.
Comment: Not observed at significant frequency in large population cohorts (gnomAD); In silico analysis supports that this missense variant has a deleterious effect on protein structure/function; Has not been previously published as pathogenic or benign to our knowledge

Blueprint Genetics
Classification: Uncertain significance. Last evaluated: 2023-09-14. Review status: criteria provided, single submitter. Criteria: ACMG Guidelines, 2015. Collection method: clinical testing. Allele origin: germline.